The following is an entry in ClinVar:

ClinVar aggregate classification (germline): Pathogenic. Review status: criteria provided, multiple submitters, no conflicts (2 of 4 stars). 2 submissions from 2 submitters: Pathogenic (2). Last evaluated 2023-08-29.

Conditions:
Joubert syndrome and related disorders. Identifiers: Orphanet 140874, MedGen C5679612, MONDO:0015369.

Allele frequency attached by ClinVar (database versions not stated): gnomAD exomes 0.00001.
gnomAD v4.1: 9 of 1,613,654 alleles (0.00056%); highest among the groups gnomAD compares: Non-Finnish European, 0.00059%; no homozygotes.

Submissions (2):

Women's Health and Genetics/Laboratory Corporation of America, LabCorp
Classification: Pathogenic for Joubert syndrome and related disorders. Last evaluated: 2023-08-29. Review status: criteria provided, single submitter. Criteria: LabCorp Variant Classification Summary - May 2015. Collection method: clinical testing. Allele origin: germline.
Comment: Variant summary: CPLANE1 c.8935C>T (p.Gln2979X) results in a premature termination codon, predicted to cause a truncation of the encoded protein or absence of the protein due to nonsense mediated decay, which are commonly known mechanisms for disease. The variant was absent in 251476 control chromosomes (gnomAD). c.8935C>T has been reported in the literature in at least one biallelic individual with a phenotype consistent with Joubert Syndrome And Related Disorders (Fitzgerald_2015). These data do not allow any conclusion about variant significance. To our knowledge, no experimental evidence demonstrating an impact on protein function has been reported. The following publication have been ascertained in the context of this evaluation (PMID: 25533962). No submitters have cited clinical-significance assessments for this variant to ClinVar after 2014. Based on the evidence outlined above, the variant was classified as pathogenic.

Labcorp Genetics (formerly Invitae), Labcorp
Classification: Pathogenic. Last evaluated: 2023-02-16. Review status: criteria provided, single submitter. Criteria: Invitae Variant Classification Sherloc (09022015). Collection method: clinical testing. Allele origin: germline.
Comment: This sequence change creates a premature translational stop signal (p.Gln2979*) in the CPLANE1 gene. It is expected to result in an absent or disrupted protein product. Loss-of-function variants in CPLANE1 are known to be pathogenic (PMID: 24178751, 26092869). This variant is not present in population databases (gnomAD no frequency). This premature translational stop signal has been observed in individual(s) with CPLANE1-related conditions (PMID: 25533962). For these reasons, this variant has been classified as Pathogenic.

Literature cited by the submitters: PubMed 25533962 (cited by Women's Health and Genetics/Laboratory Corporation of America, LabCorp and Labcorp Genetics (formerly Invitae), Labcorp); PubMed 24178751 (cited by Labcorp Genetics (formerly Invitae), Labcorp); PubMed 26092869 (cited by Labcorp Genetics (formerly Invitae), Labcorp).

NM_001384732.1(CPLANE1):c.9097C>T (p.Gln3033Ter)

Gene: CPLANE1 (ciliogenesis and planar polarity effector complex subunit 1; minus strand). Cytogenetic location: 5p13.2.
Variant type: single nucleotide variant.
Coding change: c.9097C>T on transcript NM_001384732.1 (MANE Select); coding-DNA position 9097, C replaced by T.
Protein change: p.Gln3033Ter; replaces glutamine 3033 with a stop codon.
Molecular consequence: nonsense.
Genome position (GRCh38, 1-based): chr5:37,121,705, G>A on the plus strand (C>T on the coding strand, the complement: CPLANE1 is on the minus strand). VCF-style: chr5-37121705-G-A. GRCh37 (hg19) VCF-style: chr5-37121807-G-A.
Other names: c.8935C>T, p.Gln2979Ter (NM_023073.4); short protein forms Q2979*, Q3033*.
Identifiers: ClinVar variation 2581439 (VCV002581439.4), dbSNP rs2546640992, ClinGen allele CA359495643.